The following is an entry in ClinVar:

ClinVar aggregate classification (germline): Uncertain significance (1 of 4 stars; one submission).

Conditions:
Hereditary cancer-predisposing syndrome. Also called: Hereditary Cancer Syndrome; Tumor predisposition; Hereditary neoplastic syndrome; Neoplastic Syndromes, Hereditary. Identifiers: Orphanet 140162, MedGen C0027672, MeSH D009386, MONDO:0015356.

Submission:

Ambry Genetics
Classification: Uncertain significance for Hereditary cancer-predisposing syndrome. Last evaluated: 2024-03-18. Review status: criteria provided, single submitter. Criteria: Ambry Variant Classification Scheme 2023. Collection method: clinical testing. Allele origin: germline.
Comment: The p.V299I variant (also known as c.895G>A), located in coding exon 9 of the BRCA1 gene, results from a G to A substitution at nucleotide position 895. The valine at codon 299 is replaced by isoleucine, an amino acid with highly similar properties. This amino acid position is well conserved in available vertebrate species. In addition, the in silico prediction for this alteration is inconclusive. Based on the available evidence, the clinical significance of this alteration remains unclear.

NM_007294.4(BRCA1):c.895G>A (p.Val299Ile)

Gene: BRCA1 (BRCA1 DNA repair associated; minus strand). Cytogenetic location: 17q21.31.
Variant type: single nucleotide variant.
Coding change: c.895G>A on transcript NM_007294.4 (MANE Select); coding-DNA position 895, G replaced by A.
Protein change: p.Val299Ile; replaces valine 299 with isoleucine.
Molecular consequence: missense variant. On other transcripts: intron variant (137).
Genome position (GRCh38, 1-based): chr17:43,094,636, C>T on the plus strand (G>A on the coding strand, the complement: BRCA1 is on the minus strand). VCF-style: chr17-43094636-C-T. GRCh37 (hg19) VCF-style: chr17-41246653-C-T.
Other names: c.787+108G>A (NM_001407978.1, NM_001407976.1, NM_001408404.1 and 19 more transcripts); c.643+108G>A (NM_001408462.1, NM_001408464.1, NM_001408468.1 and 3 more transcripts); c.652+108G>A (NM_001408451.1); c.709+108G>A (NM_001408414.1, NM_001408411.1, NM_001408412.1 and 2 more transcripts); c.577+108G>A (NM_001408514.1, NM_001408485.1, NM_001408481.1 and 9 more transcripts); c.661+108G>A (NM_001408447.1, NM_001408433.1, NM_001408446.1 and 6 more transcripts); c.784+108G>A (NM_001408400.1, NM_001408392.1, NM_001407986.1 and 13 more transcripts); c.664+108G>A (NM_001408437.1, NM_001408441.1, NM_001408444.1 and 12 more transcripts); and 40 more; short protein forms V251I, V296I, V299I, V188I, V210I, V228I, V252I, V258I.
Identifiers: ClinVar variation 3261446 (VCV003261446.1).